The following is an entry in ClinVar:

NM_001036.6(RYR3):c.454A>T (p.Ile152Leu)

Gene: RYR3 (ryanodine receptor 3; plus strand). Cytogenetic location: 15q14.
Variant type: single nucleotide variant.
Coding change: c.454A>T on transcript NM_001036.6 (MANE Select); coding-DNA position 454, A replaced by T.
Protein change: p.Ile152Leu; replaces isoleucine 152 with leucine.
Molecular consequence: missense variant.
Genome position (GRCh38, 1-based): chr15:33,539,370, A>T. VCF-style: chr15-33539370-A-T. GRCh37 (hg19) VCF-style: chr15-33831571-A-T.
Other names: c.454A>T, p.Ile152Leu (NM_001243996.4); short protein forms I152L.
Identifiers: ClinVar variation 1045575 (VCV001045575.8), dbSNP rs780128168, ClinGen allele CA7457826.
Genomic context (GRCh38, chr15:33,539,370, plus strand): 5'-TTCTGTGAAGCAATGACTAACTCAAGGAGCCTTCATGTAGGAGAAGCCTGTTGGTGGACT[A>T]TACATCCTGCTTCCAAACAGAGGTCCGAAGGAGAGAAAGTTCGAATTGGCGATGACCTCA-3'
Protein context (NP_001027.3, residues 142-162): HATGEACWWT[Ile152Leu]HPASKQRSEG

ClinVar aggregate classification (germline): Uncertain significance (1 of 4 stars; one submission).

Conditions:
Epileptic encephalopathy. Identifiers: MedGen C0543888, HP:0200134.

gnomAD v4.1: 2 of 1,595,986 alleles (0.00013%); highest among the groups gnomAD compares: Admixed American, 0.0035%; no homozygotes.

Submission:

Labcorp Genetics (formerly Invitae), Labcorp
Classification: Uncertain significance for Epileptic encephalopathy. Last evaluated: 2020-05-20. Review status: criteria provided, single submitter. Criteria: Invitae Variant Classification Sherloc (09022015). Collection method: clinical testing. Allele origin: germline.
Comment: In summary, the available evidence is currently insufficient to determine the role of this variant in disease. Therefore, it has been classified as a Variant of Uncertain Significance. Algorithms developed to predict the effect of missense changes on protein structure and function are either unavailable or do not agree on the potential impact of this missense change (SIFT: "Deleterious"; PolyPhen-2: "Possibly Damaging"; Align-GVGD: "Class C0"). This variant has not been reported in the literature in individuals with RYR3-related conditions. This variant is present in population databases (rs780128168, ExAC no frequency). This sequence change replaces isoleucine with leucine at codon 152 of the RYR3 protein (p.Ile152Leu). The isoleucine residue is highly conserved and there is a small physicochemical difference between isoleucine and leucine.